The following is an entry in ClinVar:

ClinVar aggregate classification (germline): Likely pathogenic (1 of 4 stars; one submission).

Conditions:
Dilated cardiomyopathy 1G (CMD1G). Identifiers: Orphanet 154, MedGen C1858763, MONDO:0011400, OMIM 604145.
Autosomal recessive limb-girdle muscular dystrophy type 2J (LGMDR10). Also called: Limb-girdle muscular dystrophy, type 2J; MUSCULAR DYSTROPHY, LIMB-GIRDLE, AUTOSOMAL RECESSIVE 10. Identifiers: Orphanet 140922, MedGen C1837342, MONDO:0012127, OMIM 608807.

Submission:

Labcorp Genetics (formerly Invitae), Labcorp
Classification: Likely pathogenic for Dilated cardiomyopathy 1G; Autosomal recessive limb-girdle muscular dystrophy type 2J. Last evaluated: 2024-07-21. Review status: criteria provided, single submitter. Criteria: Invitae Variant Classification Sherloc (09022015). Collection method: clinical testing. Allele origin: germline.
Comment: This sequence change creates a premature translational stop signal (p.Lys11232*) in the TTN gene. While this is not anticipated to result in nonsense mediated decay, it is expected to create a truncated TTN protein. This variant is not present in population databases (gnomAD no frequency). This variant has not been reported in the literature in individuals affected with TTN-related conditions. Algorithms developed to predict the effect of sequence changes on RNA splicing suggest that this variant may disrupt the consensus splice site. This variant is located in the I band of TTN (PMID: 25589632). Truncating variants in this region have been reported in individuals affected with autosomal recessive centronuclear myopathy (PMID: 23975875, Invitae internal data). Truncating variants in this region have also been identified in individuals affected with autosomal dominant dilated cardiomyopathy and/or cardio-related conditions (PMID: 27869827, 32964742, Invitae internal data). In summary, the currently available evidence indicates that the variant is pathogenic, but additional data are needed to prove that conclusively. Therefore, this variant has been classified as Likely Pathogenic.

Literature cited by the submitters: PubMed 25589632; PubMed 23975875; PubMed 27869827; PubMed 32964742.

NM_001267550.2(TTN):c.33694A>T (p.Lys11232Ter)

Gene: TTN (titin; minus strand). Cytogenetic location: 2q31.2.
Variant type: single nucleotide variant.
Coding change: c.33694A>T on transcript NM_001267550.2 (MANE Select); coding-DNA position 33694, A replaced by T.
Protein change: p.Lys11232Ter; replaces lysine 11232 with a stop codon.
Molecular consequence: nonsense. On other transcripts: intron variant (3).
Genome position (GRCh38, 1-based): chr2:178,679,387, T>A on the plus strand (A>T on the coding strand, the complement: TTN is on the minus strand). VCF-style: chr2-178679387-T-A. GRCh37 (hg19) VCF-style: chr2-179544114-T-A.
Other names: c.32743A>T, p.Lys10915Ter (NM_001256850.1); c.29962A>T, p.Lys9988Ter (NM_133378.4); c.13283-37070A>T (NM_003319.4); c.13859-37070A>T (NM_133437.4); c.13658-37070A>T (NM_133432.3); short protein forms K10915*, K11232*, K9988*.
Identifiers: ClinVar variation 3757253 (VCV003757253.2).